The following is an entry in ClinVar:

ClinVar aggregate classification (germline): Likely pathogenic (1 of 4 stars; one submission).

Conditions:
Alport syndrome. Also called: Hemorrhagic familial nephritis; Hemorrhagic hereditary nephritis; Congenital hereditary hematuria. Identifiers: Orphanet 63, MedGen C1567741, MONDO:0018965.

Submission:

Natera, Inc.
Classification: Likely pathogenic for Alport syndrome. Last evaluated: 2025-08-22. Review status: criteria provided, single submitter. Criteria: Natera Variant Classification Schema (03/2026). Collection method: clinical testing. Allele origin: germline.
Comment: The c.908G>A variant in COL4A3 is a missense variant predicted to cause substitution of glycine to aspartic acid at amino acid 303. This variant is rare in the general population with a frequency below the threshold expected for the associated phenotype(s). This variant has been observed in one or more individuals affected with the associated recessive disease, as either homozygous or compound heterozygous with a second variant (PMID: 33772369). This variant is located in a functionally critical region of the protein. Computational prediction algorithms indicate this variant is likely to affect gene or protein function. Given the available evidence, this variant is classified as Likely Pathogenic.

Literature cited by the submitters: PubMed 33772369.

NM_000091.5(COL4A3):c.908G>A (p.Gly303Asp)

Genes: COL4A3 (collagen type IV alpha 3 chain; plus strand), MFF-DT (MFF divergent transcript; minus strand). Cytogenetic location: 2q36.3.
Variant type: single nucleotide variant.
Coding change: c.908G>A on transcript NM_000091.5 (MANE Select); coding-DNA position 908, G replaced by A.
Protein change: p.Gly303Asp; replaces glycine 303 with aspartic acid.
Molecular consequence: missense variant.
Genome position (GRCh38, 1-based): chr2:227,256,045, G>A. VCF-style: chr2-227256045-G-A. GRCh37 (hg19) VCF-style: chr2-228120761-G-A.
Other names: short protein forms G303D.
Identifiers: ClinVar variation 4817279 (VCV004817279.1).
Genomic context (GRCh38, chr2:227,256,045, plus strand): 5'-TATTTATTACATTTCATGTTTTTGATTTGTTTTTGCTGTAGGGAAAACCCGGAAAAGATG[G>A]TGTTCCTGGCTTCCCTGGAAGTGAGGTATAGAGTTGATTTGGCCTATGGAGGTAGTAAAA-3'
Protein context (NP_000082.2, residues 293-313): PGLQGKPGKD[Gly303Asp]VPGFPGSEGV